The following is an entry in ClinVar:

NM_001111125.3(IQSEC2):c.2684dup (p.Met895fs)

Gene: IQSEC2 (IQ motif and Sec7 domain ArfGEF 2; minus strand). Cytogenetic location: Xp11.22.
Variant type: Duplication.
Coding change: c.2684dup on transcript NM_001111125.3 (MANE Select); coding-DNA position 2684, one base duplicated (T; older notation c.2684dupT).
Protein change: p.Met895fs; shifts the reading frame from methionine 895.
Molecular consequence: frameshift variant.
Genome position (GRCh38, 1-based): chrX:53,247,034, A duplicated on the plus strand (T on the coding strand, the reverse complement: IQSEC2 is on the minus strand). VCF-style (leftmost placement, unchanged base first): chrX-53247033-C-CA. GRCh37 (hg19) VCF-style: chrX-53276215-C-CA.
Other names: c.2684dup, p.Met895Ilefs (NM_001410736.1); c.2069dup, p.Met690fs (NM_015075.2); short protein forms M690fs, M895fs.
Identifiers: ClinVar variation 2066733 (VCV002066733.4), dbSNP rs2519771847, ClinGen allele CA2580101171.

ClinVar aggregate classification (germline): Pathogenic (1 of 4 stars; one submission).

Conditions:
Intellectual developmental disorder, X-linked 1. Also called: Atkin Flaitz Patil Smith syndrome; Intellectual disability, X-linked 1; MENTAL RETARDATION, X-LINKED 18; MENTAL RETARDATION, X-LINKED 78. Identifiers: Orphanet 777, MedGen C2931498, MONDO:0010656, OMIM 309530.

Submission:

Labcorp Genetics (formerly Invitae), Labcorp
Classification: Pathogenic for Intellectual developmental disorder, X-linked 1. Last evaluated: 2021-12-30. Review status: criteria provided, single submitter. Criteria: Invitae Variant Classification Sherloc (09022015). Collection method: clinical testing. Allele origin: germline.
Comment: For these reasons, this variant has been classified as Pathogenic. This variant has not been reported in the literature in individuals affected with IQSEC2-related conditions. This variant is not present in population databases (gnomAD no frequency). This sequence change creates a premature translational stop signal (p.Met895Ilefs*9) in the IQSEC2 gene. It is expected to result in an absent or disrupted protein product. Loss-of-function variants in IQSEC2 are known to be pathogenic (PMID: 21686261, 26793055, 27665735).

Literature cited by the submitters: PubMed 21686261; PubMed 26793055; PubMed 27665735.